The following is an entry in ClinVar:

ClinVar aggregate classification (germline): Uncertain significance (1 of 4 stars; one submission).

Conditions:
Diamond-Blackfan anemia. Also called: Blackfan Diamond syndrome; Aregenerative anemia chronic congenital; Red cell aplasia, pure hereditary; Congenital hypoplastic anemia; Aase syndrome. Identifiers: Orphanet 124, MedGen C1260899, MeSH D029503, MONDO:0015253, HP:0004810.

Allele frequency attached by ClinVar (database versions not stated): gnomAD 0.00001; gnomAD exomes below 0.00001.
gnomAD v4.1: 7 of 1,607,646 alleles (0.00044%); highest among the groups gnomAD compares: Non-Finnish European, 0.00059%; no homozygotes.

Submission:

Labcorp Genetics (formerly Invitae), Labcorp
Classification: Uncertain significance for Diamond-Blackfan anemia. Last evaluated: 2022-10-14. Review status: criteria provided, single submitter. Criteria: Invitae Variant Classification Sherloc (09022015). Collection method: clinical testing. Allele origin: germline.
Comment: In summary, the available evidence is currently insufficient to determine the role of this variant in disease. Therefore, it has been classified as a Variant of Uncertain Significance. Advanced modeling of protein sequence and biophysical properties (such as structural, functional, and spatial information, amino acid conservation, physicochemical variation, residue mobility, and thermodynamic stability) performed at Invitae indicates that this missense variant is expected to disrupt RPL5 protein function. ClinVar contains an entry for this variant (Variation ID: 1433725). This variant has not been reported in the literature in individuals affected with RPL5-related conditions. This variant is present in population databases (no rsID available, gnomAD 0.0009%). This sequence change replaces lysine, which is basic and polar, with arginine, which is basic and polar, at codon 89 of the RPL5 protein (p.Lys89Arg).

NM_000969.5(RPL5):c.266A>G (p.Lys89Arg)

Genes: DIPK1A (divergent protein kinase domain 1A; minus strand), RPL5 (ribosomal protein L5; plus strand). Cytogenetic location: 1p22.1.
Variant type: single nucleotide variant.
Coding change: c.266A>G on transcript NM_000969.5 (MANE Select); coding-DNA position 266, A replaced by G.
Protein change: p.Lys89Arg; replaces lysine 89 with arginine.
Molecular consequence: missense variant. On other transcripts: non-coding transcript variant (1), intron variant (1).
Genome position (GRCh38, 1-based): chr1:92,834,855, A>G. VCF-style: chr1-92834855-A-G. GRCh37 (hg19) VCF-style: chr1-93300412-A-G.
Other names: c.475-1821T>C (NM_001252273.2); short protein forms K89R.
Identifiers: ClinVar variation 1433725 (VCV001433725.8), dbSNP rs1314815534, ClinGen allele CA341241602.